The following is an entry in ClinVar:

ClinVar aggregate classification (germline): Uncertain significance (1 of 4 stars; one submission).

Submission:

Labcorp Genetics (formerly Invitae), Labcorp
Classification: Uncertain significance. Last evaluated: 2022-02-25. Review status: criteria provided, single submitter. Criteria: Invitae Variant Classification Sherloc (09022015). Collection method: clinical testing. Allele origin: germline.
Comment: In summary, the available evidence is currently insufficient to determine the role of this variant in disease. Therefore, it has been classified as a Variant of Uncertain Significance. Algorithms developed to predict the effect of missense changes on protein structure and function are either unavailable or do not agree on the potential impact of this missense change (SIFT: "Tolerated"; PolyPhen-2: "Probably Damaging"; Align-GVGD: "Class C0"). This variant has not been reported in the literature in individuals affected with PEX11B-related conditions. This variant is not present in population databases (gnomAD no frequency). This sequence change replaces leucine, which is neutral and non-polar, with proline, which is neutral and non-polar, at codon 144 of the PEX11B protein (p.Leu144Pro).

NM_003846.3(PEX11B):c.431T>C (p.Leu144Pro)

Gene: PEX11B (peroxisomal biogenesis factor 11 beta; minus strand). Cytogenetic location: 1q21.1.
Variant type: single nucleotide variant.
Coding change: c.431T>C on transcript NM_003846.3 (MANE Select); coding-DNA position 431, T replaced by C.
Protein change: p.Leu144Pro; replaces leucine 144 with proline.
Molecular consequence: missense variant. On other transcripts: non-coding transcript variant (3).
Genome position (GRCh38, 1-based): chr1:145,912,510, A>G on the plus strand (T>C on the coding strand, the complement: PEX11B is on the minus strand). VCF-style: chr1-145912510-A-G. GRCh37 (hg19) VCF-style: chr1-145522570-T-C.
Other names: c.389T>C, p.Leu130Pro (NM_001184795.1); short protein forms L144P, L130P.
Identifiers: ClinVar variation 2103310 (VCV002103310.4), dbSNP rs2525403156, ClinGen allele CA342121660.